The following is an entry in ClinVar:

NM_000383.4(AIRE):c.1066C>T (p.Arg356Trp)

Gene: AIRE (autoimmune regulator; plus strand). Cytogenetic location: 21q22.3.
Variant type: single nucleotide variant.
Coding change: c.1066C>T on transcript NM_000383.4 (MANE Select); coding-DNA position 1066, C replaced by T.
Protein change: p.Arg356Trp; replaces arginine 356 with tryptophan.
Molecular consequence: missense variant.
Genome position (GRCh38, 1-based): chr21:44,292,372, C>T. VCF-style: chr21-44292372-C-T. GRCh37 (hg19) VCF-style: chr21-45712255-C-T.
Other names: p.Arg356Trp; short protein forms R356W.
Identifiers: ClinVar variation 285876 (VCV000285876.15), dbSNP rs376901046, ClinGen allele CA10051910.

ClinVar aggregate classification (germline): Uncertain significance. Review status: criteria provided, multiple submitters, no conflicts (2 of 4 stars). 7 submissions from 7 submitters: Uncertain significance (5). 2 of the submissions do not count toward it. Last evaluated 2025-09-19.

Conditions:
Polyglandular autoimmune syndrome, type 1 (APS1). Also called: PGA I; AUTOIMMUNE POLYENDOCRINE SYNDROME, TYPE I, WITH OR WITHOUT REVERSIBLE METAPHYSEAL DYSPLASIA; APS I; Autoimmune polyendocrine syndrome type 1; Autoimmune polyendocrinopathy syndrome, type I; Autoimmune polyendocrinopathy syndrome , type I, with or without reversible metaphyseal dysplasia. Identifiers: Orphanet 3453, MedGen C0085859, MONDO:0009411, OMIM 240300.
AIRE-related disorder. Also called: AIRE-related condition.

Allele frequency attached by ClinVar (database versions not stated): TOPMed 0.00013; 1000 Genomes Project 30x 0.00016; gnomAD 0.00016; 1000 Genomes Project 0.00020; ESP Exome Variant Server 0.00024.
gnomAD v4.1: 573 of 1,562,174 alleles (0.037%); highest among the groups gnomAD compares: Non-Finnish European, 0.046%; no homozygotes.

Submissions (7):

Mayo Clinic Laboratories, Mayo Clinic
Classification: Uncertain significance. Last evaluated: 2025-09-19. Review status: criteria provided, single submitter. Criteria: ACMG Guidelines, 2015. Collection method: clinical testing. Allele origin: germline. Observed: 1 variant allele.

Labcorp Genetics (formerly Invitae), Labcorp
Classification: Uncertain significance for Polyglandular autoimmune syndrome, type 1. Last evaluated: 2025-01-30. Review status: criteria provided, single submitter. Criteria: Invitae Variant Classification Sherloc (09022015). Collection method: clinical testing. Allele origin: germline.
Comment: This sequence change replaces arginine, which is basic and polar, with tryptophan, which is neutral and slightly polar, at codon 356 of the AIRE protein (p.Arg356Trp). This variant is present in population databases (rs376901046, gnomAD 0.03%). This missense change has been observed in individual(s) with clinical features of autosomal dominant AIRE-related conditions (PMID: 26650942, 32441320). ClinVar contains an entry for this variant (Variation ID: 285876). Invitae Evidence Modeling of protein sequence and biophysical properties (such as structural, functional, and spatial information, amino acid conservation, physicochemical variation, residue mobility, and thermodynamic stability) has been performed for this missense variant. However, the output from this modeling did not meet the statistical confidence thresholds required to predict the impact of this variant on AIRE protein function. In summary, the available evidence is currently insufficient to determine the role of this variant in disease. Therefore, it has been classified as a Variant of Uncertain Significance.

Fulgent Genetics
Classification: Uncertain significance for Polyglandular autoimmune syndrome, type 1. Last evaluated: 2022-01-11. Review status: criteria provided, single submitter. Criteria: ACMG Guidelines, 2015. Collection method: clinical testing. Allele origin: unknown.

Women's Health and Genetics/Laboratory Corporation of America, LabCorp
Classification: Uncertain significance. Last evaluated: 2021-07-01. Review status: criteria provided, single submitter. Criteria: LabCorp Variant Classification Summary - May 2015. Collection method: clinical testing. Allele origin: germline.
Comment: Variant summary: AIRE c.1066C>T (p.Arg356Trp) results in a non-conservative amino acid change in the encoded protein sequence. Four of five in-silico tools predict a damaging effect of the variant on protein function. The variant allele was found at a frequency of 0.00014 in 162232 control chromosomes (gnomAD). This frequency is not higher than expected for a pathogenic variant in AIRE causing Autoimmune Polyglandular Syndrome Type 1 (0.00014 vs 0.0028), allowing no conclusion about variant significance. c.1066C>T has been reported in the literature in individuals affected with Autoimmune Polyglandular Syndrome Type 1 (e.g. Tsai_2016, Suspitsin_2020). These reports do not provide unequivocal conclusions about association of the variant with Autoimmune Polyglandular Syndrome Type 1. To our knowledge, no experimental evidence demonstrating an impact on protein function has been reported. Two ClinVar submitters (evaluation after 2014) cite the variant as uncertain significance. Based on the evidence outlined above, the variant was classified as uncertain significance.

Eurofins Ntd Llc (ga)
Classification: Uncertain significance. Last evaluated: 2016-02-22. Review status: criteria provided, single submitter. Criteria: EGL Classification Definitions 2015. Collection method: clinical testing. Allele origin: germline. Observed: 2 variant alleles, 2 heterozygotes.

PreventionGenetics, part of Exact Sciences
Classification: Uncertain significance for AIRE-related condition. Last evaluated: 2023-11-21. Review status: no assertion criteria provided. Collection method: clinical testing. Allele origin: germline. Not counted in ClinVar's aggregate classification.
Comment: The AIRE c.1066C>T variant is predicted to result in the amino acid substitution p.Arg356Trp. This variant has been reported in an individual with primary adrenal insufficiency (Table 1, Tsai et al. 2016. PubMed ID: 26650942) and in an individual with inborn error of immunity (Suspitsin et al. 2020. PubMed ID: 32441320). This variant is reported in 0.029% of alleles in individuals of European (non-Finnish) descent in gnomAD. At this time, the clinical significance of this variant is uncertain due to the absence of conclusive functional and genetic evidence.

Natera, Inc.
Classification: Uncertain significance for Polyglandular autoimmune syndrome type 1. Last evaluated: 2020-03-06. Review status: no assertion criteria provided. Collection method: clinical testing. Allele origin: germline. Not counted in ClinVar's aggregate classification.

Literature cited by the submitters: PubMed 26650942 (cited by 3 submitters); PubMed 32441320 (cited by 3 submitters).